The following is an entry in ClinVar:

NM_002076.4(GNS):c.365C>G (p.Ser122Cys)

Gene: GNS (glucosamine (N-acetyl)-6-sulfatase; minus strand). Cytogenetic location: 12q14.3.
Variant type: single nucleotide variant.
Coding change: c.365C>G on transcript NM_002076.4 (MANE Select); coding-DNA position 365, C replaced by G.
Protein change: p.Ser122Cys; replaces serine 122 with cysteine.
Molecular consequence: missense variant.
Genome position (GRCh38, 1-based): chr12:64,747,806, G>C on the plus strand (C>G on the coding strand, the complement: GNS is on the minus strand). VCF-style: chr12-64747806-G-C. GRCh37 (hg19) VCF-style: chr12-65141586-G-C.
Other names: short protein forms S122C.
Identifiers: ClinVar variation 2134046 (VCV002134046.3), dbSNP rs757648961, ClinGen allele CA6669960.

ClinVar aggregate classification (germline): Uncertain significance (1 of 4 stars; one submission).

Conditions:
Mucopolysaccharidosis, MPS-III-D (MPS3D). Also called: N-ACETYLGLUCOSAMINE-6-SULFATASE DEFICIENCY; SANFILIPPO SYNDROME D; MPS III D; Mucopoly-saccharidosis type 3D; N-acetylglucosamine-6-sulfate sulfatase deficiency; MPS 3D. Identifiers: Orphanet 581, Orphanet 79272, MedGen C0086650, MONDO:0009658, OMIM 252940.

Allele frequency attached by ClinVar (database versions not stated): ExAC 0.00001.

Submission:

Labcorp Genetics (formerly Invitae), Labcorp
Classification: Uncertain significance for Mucopolysaccharidosis, MPS-III-D. Last evaluated: 2022-06-19. Review status: criteria provided, single submitter. Criteria: Invitae Variant Classification Sherloc (09022015). Collection method: clinical testing. Allele origin: germline.
Comment: Algorithms developed to predict the effect of missense changes on protein structure and function are either unavailable or do not agree on the potential impact of this missense change (SIFT: "Tolerated"; PolyPhen-2: "Possibly Damaging"; Align-GVGD: "Class C0"). In summary, the available evidence is currently insufficient to determine the role of this variant in disease. Therefore, it has been classified as a Variant of Uncertain Significance. This variant has not been reported in the literature in individuals affected with GNS-related conditions. This variant is present in population databases (rs757648961, gnomAD 0.006%). This sequence change replaces serine, which is neutral and polar, with cysteine, which is neutral and slightly polar, at codon 122 of the GNS protein (p.Ser122Cys).